The following is an entry in ClinVar:

ClinVar aggregate classification (germline): Likely benign (1 of 4 stars; one submission).

Allele frequency attached by ClinVar (database versions not stated): ExAC 0.00262; ESP Exome Variant Server 0.00269; gnomAD exomes 0.00292; 1000 Genomes Project 30x 0.00062; 1000 Genomes Project 0.00080; TOPMed 0.00252; gnomAD 0.00253.
gnomAD v4.1: 4,706 of 1,610,490 alleles (0.29%); highest among the groups gnomAD compares: Middle Eastern, 0.79%; 11 homozygotes.

Submission:

CeGaT Center for Human Genetics Tuebingen
Classification: Likely benign. Last evaluated: 2022-08-01. Review status: criteria provided, single submitter. Criteria: CeGaT Center For Human Genetics Tuebingen Variant Classification Criteria Version 2. Collection method: clinical testing. Allele origin: germline. Affected: yes. Observed: 1 variant allele.
Comment: SAXO1: BP4, BP7

NM_153707.4(SAXO1):c.42G>A (p.Arg14=)

Gene: SAXO1 (stabilizer of axonemal microtubules 1; minus strand). Cytogenetic location: 9p22.1.
Variant type: single nucleotide variant.
Coding change: c.42G>A on transcript NM_153707.4 (MANE Select); coding-DNA position 42, G replaced by A.
Protein change: p.Arg14=; no amino-acid change (arginine 14 retained).
Molecular consequence: synonymous variant. On other transcripts: 5 prime UTR variant (1).
Genome position (GRCh38, 1-based): chr9:18,950,934, C>T on the plus strand (G>A on the coding strand, the complement: SAXO1 is on the minus strand). VCF-style: chr9-18950934-C-T. GRCh37 (hg19) VCF-style: chr9-18950932-C-T.
Other names: c.-154G>A (NM_001287049.2); c.42G>A, p.Arg14= (NM_001287050.2).
Identifiers: ClinVar variation 2659103 (VCV002659103.24), dbSNP rs149656581, ClinGen allele CA5000868.
Genomic context (GRCh38, chr9:18,950,934, plus strand): 5'-GAGAAGACATGGTTTCTCTGTTTTATCATAAATCTTGGTAGGGAGATGTGGACAGTGATG[C>T]CGCCTATAAAAGACACAGAGTTAGGTTGATTACCTTCTTGGGAGAAAAAAACCCAATTTC-3'
Protein context (NP_714918.2, residues 4-24): KCICELCSCG[Arg14=]HHCPHLPTKI